The following is an entry in ClinVar:

ClinVar aggregate classification (germline): Likely benign (0 of 4 stars; one submission).

Conditions:
LRP1B-related disorder. Also called: LRP1B-related condition.

Allele frequency attached by ClinVar (database versions not stated): ESP Exome Variant Server 0.00015; TOPMed 0.00020; ExAC 0.00022; gnomAD 0.00026; gnomAD exomes 0.00034; 1000 Genomes Project 30x 0.00047; 1000 Genomes Project 0.00060.
gnomAD v4.1: 526 of 1,586,566 alleles (0.033%); highest among the groups gnomAD compares: Middle Eastern, 0.32%; 2 homozygotes.

Submission:

PreventionGenetics, part of Exact Sciences
Classification: Likely benign for LRP1B-related condition. Last evaluated: 2019-04-26. Review status: no assertion criteria provided. Collection method: clinical testing. Allele origin: germline.
Comment: This variant is classified as likely benign based on ACMG/AMP sequence variant interpretation guidelines (Richards et al. 2015 PMID: 25741868, with internal and published modifications).

NM_018557.3(LRP1B):c.13799A>G (p.Ter4600=)

Gene: LRP1B (LDL receptor related protein 1B; minus strand). Cytogenetic location: 2q22.1.
Variant type: single nucleotide variant.
Coding change: c.13799A>G on transcript NM_018557.3 (MANE Select); coding-DNA position 13799, A replaced by G.
Protein change: p.Ter4600=.
Molecular consequence: synonymous variant.
Genome position (GRCh38, 1-based): chr2:140,233,187, T>C on the plus strand (A>G on the coding strand, the complement: LRP1B is on the minus strand). VCF-style: chr2-140233187-T-C. GRCh37 (hg19) VCF-style: chr2-140990756-T-C.
Identifiers: ClinVar variation 3053649 (VCV003053649.2), dbSNP rs142353749, ClinGen allele CA1892385.